The following is an entry in ClinVar:

NM_000435.3(NOTCH3):c.884T>G (p.Leu295Arg)

Gene: NOTCH3 (notch receptor 3; minus strand). Cytogenetic location: 19p13.12.
Variant type: single nucleotide variant.
Coding change: c.884T>G on transcript NM_000435.3 (MANE Select); coding-DNA position 884, T replaced by G.
Protein change: p.Leu295Arg; replaces leucine 295 with arginine.
Molecular consequence: missense variant.
Genome position (GRCh38, 1-based): chr19:15,191,576, A>C on the plus strand (T>G on the coding strand, the complement: NOTCH3 is on the minus strand). VCF-style: chr19-15191576-A-C. GRCh37 (hg19) VCF-style: chr19-15302387-A-C.
Other names: c.884T>G (NM_000435.2); short protein forms L295R.
Identifiers: ClinVar variation 1537607 (VCV001537607.12), dbSNP rs143117018, ClinGen allele CA9263759.

ClinVar aggregate classification (germline): Conflicting classifications of pathogenicity. Review status: criteria provided, conflicting classifications (1 of 4 stars). 4 submissions from 4 submitters: Uncertain significance (1); Likely benign (2). 1 of the submissions does not count toward it. Last evaluated 2025-09-06.

Conditions:
NOTCH3-related disorder. Also called: NOTCH3-related condition; NOTCH3-related disorders.

Allele frequency attached by ClinVar (database versions not stated): 1000 Genomes Project 30x 0.00016; ExAC 0.00019; gnomAD exomes 0.00019 and 0.00039; 1000 Genomes Project 0.00020; gnomAD 0.00024 and 0.00026; TOPMed 0.00032; ESP Exome Variant Server 0.00062.
gnomAD v4.1: 619 of 1,613,656 alleles (0.038%); highest among the groups gnomAD compares: Non-Finnish European, 0.048%; no homozygotes.

Submissions (4):

Labcorp Genetics (formerly Invitae), Labcorp
Classification: Likely benign. Last evaluated: 2025-09-06. Review status: criteria provided, single submitter. Criteria: Invitae Variant Classification Sherloc (09022015). Collection method: clinical testing. Allele origin: germline.

Blueprint Genetics
Classification: Likely benign. Last evaluated: 2024-10-18. Review status: criteria provided, single submitter. Criteria: ACMG Guidelines, 2015. Collection method: clinical testing. Allele origin: germline.

ARUP Laboratories, Molecular Genetics and Genomics, ARUP Laboratories
Classification: Uncertain significance. Last evaluated: 2024-01-12. Review status: criteria provided, single submitter. Criteria: ARUP Molecular Germline Variant Investigation Process 2024. Collection method: clinical testing. Allele origin: germline.
Comment: The NOTCH3 c.884T>G; p.Leu295Arg variant (rs143117018) is reported in the literature in a single individual with idiopathic Parkinsons disease, though the variantâ€™s clinical significance was not established (Ramirez 2020). This variant is also reported in ClinVar (Variation ID: 1537607). This variant is found in the general population with an overall allele frequency of 0.02% (54/281,670 alleles) in the Genome Aggregation Database (v2.1.1). Computational analyses are uncertain whether this variant is neutral or deleterious (REVEL: 0.379). Most pathogenic NOTCH3 variants occur in exons 2-24 and either create or destroy a cysteine residue within an EGF-like domain (Rutten 2014). However, there are several amino acid substitutions not involving cysteine that may be disease-associated (Muino 2017). Although the p.Leu295Arg variant does not involve a cysteine residue, due to its low population frequency and lack of clinical and functional data, its clinical significance is uncertain. References: Muino E et al. Systematic Review of Cysteine-Sparing NOTCH3 Missense Mutations in Patients with Clinical Suspicion of CADASIL. Int J Mol Sci. 2017 Sep 13;18(9). pii: E1964. PMID: 28902129. Ramirez J et al. Parkinson's Disease, NOTCH3 Genetic Variants, and White Matter Hyperintensities. Mov Disord. 2020 Nov;35(11):2090-2095. PMID: 32573853 Rutten JW et al. Interpretation of NOTCH3 mutations in the diagnosis of CADASIL. Expert Rev Mol Diagn. 2014 Jun;14(5):593-603. PMID: 24844136.

PreventionGenetics, part of Exact Sciences
Classification: Likely benign for NOTCH3-related condition. Last evaluated: 2021-11-30. Review status: no assertion criteria provided. Collection method: clinical testing. Allele origin: germline. Not counted in ClinVar's aggregate classification.
Comment: This variant is classified as likely benign based on ACMG/AMP sequence variant interpretation guidelines (Richards et al. 2015 PMID: 25741868, with internal and published modifications).